The following is an entry in ClinVar:

ClinVar aggregate classification (germline): Uncertain significance. Review status: criteria provided, multiple submitters, no conflicts (2 of 4 stars). 2 submissions from 2 submitters: Uncertain significance (2). Last evaluated 2026-04-07.

Conditions:
Inborn genetic diseases. Identifiers: MedGen C0950123, MeSH D030342.
MYO5B-related disorder. Also called: MYO5B-related condition.

Allele frequency attached by ClinVar (database versions not stated): gnomAD 0.00001; gnomAD exomes 0.00002; ExAC 0.00004; 1000 Genomes Project 30x 0.00016; 1000 Genomes Project 0.00020.
gnomAD v4.1: 35 of 1,612,836 alleles (0.0022%); highest among the groups gnomAD compares: South Asian, 0.035%; 2 homozygotes.

Submissions (2):

PreventionGenetics, part of Exact Sciences
Classification: Uncertain significance for MYO5B-related condition. Last evaluated: 2026-04-07. Review status: criteria provided, single submitter. Criteria: ACMG Guidelines, 2015. Collection method: clinical testing. Allele origin: germline.
Comment: The MYO5B c.290A>G variant is predicted to result in the amino acid substitution p.Asn97Ser. To our knowledge, this variant has not been reported in the literature. This variant is reported in 0.020% of alleles in individuals of South Asian descent in gnomAD. At this time, the clinical significance of this variant is uncertain due to the absence of conclusive functional and genetic evidence.

Ambry Genetics
Classification: Uncertain significance for Inborn genetic diseases. Last evaluated: 2025-10-07. Review status: criteria provided, single submitter. Criteria: Ambry Variant Classification Scheme 2023. Collection method: clinical testing. Allele origin: germline.

NM_001080467.3(MYO5B):c.290A>G (p.Asn97Ser)

Gene: MYO5B (myosin VB; minus strand). Cytogenetic location: 18q21.1.
Variant type: single nucleotide variant.
Coding change: c.290A>G on transcript NM_001080467.3 (MANE Select); coding-DNA position 290, A replaced by G.
Protein change: p.Asn97Ser; replaces asparagine 97 with serine.
Molecular consequence: missense variant.
Genome position (GRCh38, 1-based): chr18:50,040,163, T>C on the plus strand (A>G on the coding strand, the complement: MYO5B is on the minus strand). VCF-style: chr18-50040163-T-C. GRCh37 (hg19) VCF-style: chr18-47566533-T-C.
Other names: short protein forms N97S.
Identifiers: ClinVar variation 2611879 (VCV002611879.4), dbSNP rs544362324, ClinGen allele CA8961933.